The following is an entry in ClinVar:

NM_003000.3(SDHB):c.31C>T (p.Arg11Cys)

Gene: SDHB (succinate dehydrogenase complex iron sulfur subunit B; minus strand). Cytogenetic location: 1p36.13.
Variant type: single nucleotide variant.
Coding change: c.31C>T on transcript NM_003000.3 (MANE Select); coding-DNA position 31, C replaced by T.
Protein change: p.Arg11Cys; replaces arginine 11 with cysteine.
Molecular consequence: missense variant.
Genome position (GRCh38, 1-based): chr1:17,053,989, G>A on the plus strand (C>T on the coding strand, the complement: SDHB is on the minus strand). VCF-style: chr1-17053989-G-A. GRCh37 (hg19) VCF-style: chr1-17380484-G-A.
Other names: short protein forms R11C.
Identifiers: ClinVar variation 239430 (VCV000239430.21), dbSNP rs200868378, ClinGen allele CA089587.
Genomic context (GRCh38, chr1:17,053,989, plus strand): 5'-CTGAGGCTCCAGGACTCACCTGCAGGCAGGCTCCGCCAAGGGTTGTGGCCGGCAACCGGC[G>A]CCTCAAGGAGAGGGCGACCACCGCCGCCATCTTGGCTCCTGACGTCAGCCCCACCCCTTA-3'
Protein context (NP_002991.2, residues 1-21): MAAVVALSLR[Arg11Cys]RLPATTLGGA

ClinVar aggregate classification (germline): Uncertain significance. Review status: criteria provided, multiple submitters, no conflicts (2 of 4 stars). 7 submissions from 7 submitters: Uncertain significance (7). Last evaluated 2026-01-27.

Conditions:
Hereditary cancer-predisposing syndrome. Also called: Neoplastic Syndromes, Hereditary; Hereditary Cancer Syndrome; Tumor predisposition; Hereditary neoplastic syndrome. Identifiers: Orphanet 140162, MedGen C0027672, MeSH D009386, MONDO:0015356.
Gastrointestinal stromal tumor. Also called: Gastrointestinal stroma tumor; Gastrointestinal stromal tumor, somatic. Identifiers: Orphanet 44890, MedGen C0238198, MeSH D046152, MONDO:0011719, OMIM 606764, HP:0100723.
Pheochromocytoma. Also called: MAX-Related Hereditary Paraganglioma-Pheochromocytoma Syndrome. Identifiers: Orphanet 29072, MedGen C0031511, MONDO:0008233, OMIM 171300, HP:0002666.
Pheochromocytoma/paraganglioma syndrome 4. Also called: PARAGANGLIOMA, FAMILIAL MALIGNANT; PARAGANGLIOMAS, HEREDITARY EXTRAADRENAL; PHEOCHROMOCYTOMA, FAMILIAL EXTRAADRENAL; SDHB-Related Hereditary Paraganglioma-Pheochromocytoma Syndrome (Paragangliomas 4); SDHB-Related Hereditary Paraganglioma-Pheochromocytoma Syndrome; Paragangliomas 4. Identifiers: Orphanet 29072, MedGen C1861848, MONDO:0007273, OMIM 115310.
Hereditary pheochromocytoma and paraganglioma. Also called: Hereditary pheochromocytoma-paraganglioma; Hereditary Paraganglioma-Pheochromocytoma Syndromes; Hereditary paragangliomas and pheochromocytomas. Identifiers: Orphanet 29072, MedGen C4274332, MONDO:0017366.

Allele frequency attached by ClinVar (database versions not stated): ExAC 0.00001; gnomAD exomes 0.00001.
gnomAD v4.1: 18 of 1,612,818 alleles (0.0011%); highest among the groups gnomAD compares: South Asian, 0.0033%; no homozygotes.

Submissions (7):

Labcorp Genetics (formerly Invitae), Labcorp
Classification: Uncertain significance for Gastrointestinal stromal tumor; Pheochromocytoma/paraganglioma syndrome 4; Pheochromocytoma. Last evaluated: 2026-01-27. Review status: criteria provided, single submitter. Criteria: Invitae Variant Classification Sherloc (09022015). Collection method: clinical testing. Allele origin: germline.
Comment: This sequence change replaces arginine, which is basic and polar, with cysteine, which is neutral and slightly polar, at codon 11 of the SDHB protein (p.Arg11Cys). The frequency data for this variant in the population databases is considered unreliable, as metrics indicate poor data quality at this position in the gnomAD database. This variant has not been reported in the literature in individuals affected with SDHB-related conditions. ClinVar contains an entry for this variant (Variation ID: 239430). Invitae Evidence Modeling of protein sequence and biophysical properties (such as structural, functional, and spatial information, amino acid conservation, physicochemical variation, residue mobility, and thermodynamic stability) indicates that this missense variant is not expected to disrupt SDHB protein function with a negative predictive value of 95%. In summary, the available evidence is currently insufficient to determine the role of this variant in disease. Therefore, it has been classified as a Variant of Uncertain Significance.

Color Diagnostics, LLC DBA Color Health
Classification: Uncertain significance for Hereditary pheochromocytoma and paraganglioma. Last evaluated: 2025-06-03. Review status: criteria provided, single submitter. Criteria: ACMG Guidelines, 2015. Collection method: clinical testing. Allele origin: germline.
Comment: This missense variant replaces arginine with cysteine at codon 11 of the SDHB protein. Computational prediction is inconclusive regarding the impact of this variant on protein structure and function. To our knowledge, functional studies have not been reported for this variant. This variant has not been reported in individuals affected with SDHB-related disorders in the literature. This variant has been identified in 2/242694 chromosomes in the general population by the Genome Aggregation Database (gnomAD). The available evidence is insufficient to determine the role of this variant in disease conclusively. Therefore, this variant is classified as a Variant of Uncertain Significance.

Ambry Genetics
Classification: Uncertain significance for Hereditary cancer-predisposing syndrome. Last evaluated: 2024-04-29. Review status: criteria provided, single submitter. Criteria: Ambry Variant Classification Scheme 2023. Collection method: clinical testing. Allele origin: germline.
Comment: The p.R11C variant (also known as c.31C>T), located in coding exon 1 of the SDHB gene, results from a C to T substitution at nucleotide position 31. The arginine at codon 11 is replaced by cysteine, an amino acid with highly dissimilar properties. This amino acid position is not well conserved in available vertebrate species. In addition, the in silico prediction for this alteration is inconclusive. Since supporting evidence is limited at this time, the clinical significance of this alteration remains unclear.

Baylor Genetics
Classification: Uncertain significance for Gastrointestinal stromal tumor. Last evaluated: 2024-01-16. Review status: criteria provided, single submitter. Criteria: ACMG Guidelines, 2015. Collection method: clinical testing. Allele origin: unknown.

Blueprint Genetics
Classification: Uncertain significance. Last evaluated: 2022-10-31. Review status: criteria provided, single submitter. Criteria: ACMG Guidelines, 2015. Collection method: clinical testing. Allele origin: germline.

GeneDx
Classification: Uncertain significance. Last evaluated: 2022-09-07. Review status: criteria provided, single submitter. Criteria: GeneDx Variant Classification Process June 2021. Collection method: clinical testing. Allele origin: germline. Affected: yes.
Comment: Not observed at a significant frequency in large population cohorts (gnomAD); In silico analysis supports that this missense variant does not alter protein structure/function; Has not been previously published as pathogenic or benign to our knowledge

Sema4
Classification: Uncertain significance for Hereditary cancer-predisposing syndrome. Last evaluated: 2021-12-16. Review status: criteria provided, single submitter. Criteria: Sema4 Curation Guidelines. Collection method: curation. Allele origin: germline.
Comment: The SDHB c.31C>T (p.R11C) variant has not been reported in the literature to our knowledge. It was observed in 2/242694 chromosomes in the large and broad cohorts of the Genome Aggregation Database (PMID: 32461654). The variant has been reported in ClinVar (Variation ID 239430). Functional studies have not been performed, and in silico predictions of the variant's effect on protein function are inconclusive. The evidence is insufficient to meet ACMG/AMP criteria for classifying the variant as benign or pathogenic. Thus, the clinical significance of this variant is currently uncertain.